The following is an entry in ClinVar:

ClinVar aggregate classification (germline): Uncertain significance. Review status: criteria provided, multiple submitters, no conflicts (2 of 4 stars). 2 submissions from 2 submitters: Uncertain significance (2). Last evaluated 2022-01-16.

Conditions:
Chédiak-Higashi syndrome (CHS). Also called: Chediak-Higashi Syndrome. Identifiers: Orphanet 167, MedGen C0007965, MONDO:0008963, OMIM 214500.

gnomAD v4.1: 1 of 1,612,892 alleles (0.000062%); highest among the groups gnomAD compares: Non-Finnish European, 0.000085%; no homozygotes.

Submissions (2):

Labcorp Genetics (formerly Invitae), Labcorp
Classification: Uncertain significance for Chédiak-Higashi syndrome. Last evaluated: 2022-01-16. Review status: criteria provided, single submitter. Criteria: Invitae Variant Classification Sherloc (09022015). Collection method: clinical testing. Allele origin: germline.
Comment: In summary, the available evidence is currently insufficient to determine the role of this variant in disease. Therefore, it has been classified as a Variant of Uncertain Significance. Algorithms developed to predict the effect of sequence changes on RNA splicing suggest that this variant may create or strengthen a splice site. Algorithms developed to predict the effect of missense changes on protein structure and function are either unavailable or do not agree on the potential impact of this missense change (SIFT: "Tolerated"; PolyPhen-2: "Probably Damaging"; Align-GVGD: "Class C0"). This variant has not been reported in the literature in individuals affected with LYST-related conditions. This variant is present in population databases (no rsID available, gnomAD 0.0009%). This sequence change replaces proline, which is neutral and non-polar, with glutamine, which is neutral and polar, at codon 3458 of the LYST protein (p.Pro3458Gln).

Revvity Omics, Revvity
Classification: Uncertain significance for Chédiak-Higashi syndrome. Last evaluated: 2019-05-15. Review status: criteria provided, single submitter. Criteria: ACMG Guidelines, 2015. Collection method: clinical testing. Allele origin: germline.

NM_000081.4(LYST):c.10373C>A (p.Pro3458Gln)

Gene: LYST (lysosomal trafficking regulator; minus strand). Cytogenetic location: 1q42.3.
Variant type: single nucleotide variant.
Coding change: c.10373C>A on transcript NM_000081.4 (MANE Select); coding-DNA position 10373, C replaced by A.
Protein change: p.Pro3458Gln; replaces proline 3458 with glutamine.
Molecular consequence: missense variant.
Genome position (GRCh38, 1-based): chr1:235,702,748, G>T on the plus strand (C>A on the coding strand, the complement: LYST is on the minus strand). VCF-style: chr1-235702748-G-T. GRCh37 (hg19) VCF-style: chr1-235866048-G-T.
Other names: c.10373C>A, p.Pro3458Gln (NM_001301365.1); short protein forms P3458Q.
Identifiers: ClinVar variation 2084870 (VCV002084870.6), dbSNP rs1221940973, ClinGen allele CA344930940.